The following is an entry in ClinVar:

ClinVar aggregate classification (germline): Pathogenic (1 of 4 stars; one submission).

Submission:

ARUP Laboratories, Molecular Genetics and Genomics, ARUP Laboratories
Classification: Pathogenic. Last evaluated: 2024-06-06. Review status: criteria provided, single submitter. Criteria: ARUP Molecular Germline Variant Investigation Process 2024. Collection method: clinical testing. Allele origin: germline.
Comment: The F8 c.1996_1999dup; p.Phe667Ter variant (rs2073314595), also known as 1992_1995dup, is reported in the literature in multiple individuals affected with severe hemophilia A (F8 database, Rydz 2013). This variant is absent from the Genome Aggregation Database (v2.1.1), indicating it is not a common polymorphism. This variant induces an early termination codon and is predicted to result in a truncated protein or mRNA subject to nonsense-mediated decay. Based on available information, this variant is considered to be pathogenic. References: F8 database: Rydz N et al. The Canadian "National Program for hemophilia mutation testing" database: a ten-year review. Am J Hematol. 2013 Dec;88(12):1030-4. PMID: 23913812.

NM_000132.4(F8):c.1996_1999dup (p.Phe667Ter)

Gene: F8 (coagulation factor VIII; minus strand). Cytogenetic location: Xq28.
Variant type: Microsatellite.
Coding change: c.1996_1999dup on transcript NM_000132.4 (MANE Select); coding-DNA positions 1996 to 1999, 4 bases duplicated (GACT; older notation c.1996_1999dupGACT).
Protein change: p.Phe667Ter; replaces phenylalanine 667 with a stop codon.
Molecular consequence: nonsense.
Genome position (GRCh38, 1-based): chrX:154,947,812-154,947,815, AGTC duplicated on the plus strand (GACT on the coding strand, the reverse complement: F8 is on the minus strand); duplicating any 4 consecutive bases within chrX:154,947,812-154,947,819 gives the same sequence; the c. name uses the placement nearest the transcript's 3' end. VCF-style (leftmost placement, unchanged base first): chrX-154947811-A-AAGTC. GRCh37 (hg19) VCF-style: chrX-154176086-A-AAGTC.
Other names: short protein forms F667*.
Identifiers: ClinVar variation 3767054 (VCV003767054.1).